The following is an entry in ClinVar:

NM_030928.4(CDT1):c.1207CCA[1] (p.Pro404del)

Gene: CDT1 (chromatin licensing and DNA replication factor 1; plus strand). Cytogenetic location: 16q24.3.
Variant type: Microsatellite.
Coding change: c.1207CCA[1] on transcript NM_030928.4 (MANE Select); one copy of the 3-base unit CCA starting at c.1207; the reference has two copies in a row; one copy, 3 bases deleted.
Protein change: p.Pro404del; deletes proline 404.
Molecular consequence: inframe deletion.
Genome position (GRCh38, 1-based): chr16:88,807,138-88,807,140, CCA deleted; deleting any 3 consecutive bases within chr16:88,807,135-88,807,140 gives the same sequence; the position shown is the placement nearest the transcript's 3' end. VCF-style (leftmost placement, unchanged base first): chr16-88807134-CCCA-C. GRCh37 (hg19) VCF-style: chr16-88873542-CCCA-C.
Other names: short protein forms P404del.
Identifiers: ClinVar variation 1518895 (VCV001518895.6), dbSNP rs1423986989, ClinGen allele CA497079305.

ClinVar aggregate classification (germline): Uncertain significance (1 of 4 stars; one submission).

Submission:

Labcorp Genetics (formerly Invitae), Labcorp
Classification: Uncertain significance. Last evaluated: 2025-05-30. Review status: criteria provided, single submitter. Criteria: Invitae Variant Classification Sherloc (09022015). Collection method: clinical testing. Allele origin: germline.
Comment: This variant, c.1210_1212del, results in the deletion of 1 amino acid(s) of the CDT1 protein (p.Pro404del), but otherwise preserves the integrity of the reading frame. This variant is present in population databases (no rsID available, gnomAD 0.01%). This variant has not been reported in the literature in individuals affected with CDT1-related conditions. Experimental studies and prediction algorithms are not available or were not evaluated, and the functional significance of this variant is currently unknown. In summary, the available evidence is currently insufficient to determine the role of this variant in disease. Therefore, it has been classified as a Variant of Uncertain Significance.